The following is an entry in ClinVar:

NM_001039591.3(USP9X):c.565G>A (p.Gly189Ser)

Gene: USP9X (ubiquitin specific peptidase 9 X-linked; plus strand). Cytogenetic location: Xp11.4.
Variant type: single nucleotide variant.
Coding change: c.565G>A on transcript NM_001039591.3 (MANE Select); coding-DNA position 565, G replaced by A.
Protein change: p.Gly189Ser; replaces glycine 189 with serine.
Molecular consequence: missense variant.
Genome position (GRCh38, 1-based): chrX:41,136,933, G>A. VCF-style: chrX-41136933-G-A. GRCh37 (hg19) VCF-style: chrX-40996186-G-A.
Other names: c.565G>A, p.Gly189Ser (NM_001039590.3); short protein forms G189S.
Identifiers: ClinVar variation 1314593 (VCV001314593.2), dbSNP rs2147035308, ClinGen allele CA412763334.

ClinVar aggregate classification (germline): Uncertain significance (1 of 4 stars; one submission).

Submission:

GeneDx
Classification: Uncertain significance. Last evaluated: 2021-04-14. Review status: criteria provided, single submitter. Criteria: GeneDx Variant Classification Process June 2021. Collection method: clinical testing. Allele origin: germline. Affected: yes.
Comment: Not observed in large population cohorts (Lek et al., 2016); In silico analysis supports that this missense variant does not alter protein structure/function; Has not been previously published as pathogenic or benign to our knowledge